The following is an entry in ClinVar:

ClinVar aggregate classification (germline): Uncertain significance (1 of 4 stars; one submission).

Allele frequency attached by ClinVar (database versions not stated): gnomAD 0.00001; TOPMed 0.00001; ExAC 0.00002; gnomAD exomes 0.00003.

Submission:

Labcorp Genetics (formerly Invitae), Labcorp
Classification: Uncertain significance. Last evaluated: 2023-11-10. Review status: criteria provided, single submitter. Criteria: Invitae Variant Classification Sherloc (09022015). Collection method: clinical testing. Allele origin: germline.
Comment: This sequence change replaces alanine, which is neutral and non-polar, with threonine, which is neutral and polar, at codon 556 of the DYM protein (p.Ala556Thr). This variant is present in population databases (rs760860800, gnomAD 0.02%). This variant has not been reported in the literature in individuals affected with DYM-related conditions. Advanced modeling of protein sequence and biophysical properties (such as structural, functional, and spatial information, amino acid conservation, physicochemical variation, residue mobility, and thermodynamic stability) performed at Invitae indicates that this missense variant is not expected to disrupt DYM protein function with a negative predictive value of 80%. In summary, the available evidence is currently insufficient to determine the role of this variant in disease. Therefore, it has been classified as a Variant of Uncertain Significance.

NM_001353214.3(DYM):c.1831G>A (p.Ala611Thr)

Gene: DYM (dymeclin; minus strand). Cytogenetic location: 18q21.1.
Variant type: single nucleotide variant.
Coding change: c.1831G>A on transcript NM_001353214.3 (MANE Select); coding-DNA position 1831, G replaced by A.
Protein change: p.Ala611Thr; replaces alanine 611 with threonine.
Molecular consequence: missense variant. On other transcripts: intron variant (5).
Genome position (GRCh38, 1-based): chr18:49,118,824, C>T on the plus strand (G>A on the coding strand, the complement: DYM is on the minus strand). VCF-style: chr18-49118824-C-T. GRCh37 (hg19) VCF-style: chr18-46645194-C-T.
Other names: c.1663G>A, p.Ala555Thr (NM_001353210.3, NM_001353211.3, NM_001374435.1); c.1828G>A, p.Ala610Thr (NM_001353212.3, NM_001353213.3); c.1831G>A, p.Ala611Thr (NM_001374428.1, NM_001374430.1, NM_001374431.1); c.1825G>A, p.Ala609Thr (NM_001374429.1); c.1705G>A, p.Ala569Thr (NM_001374432.1); c.1666G>A, p.Ala556Thr (NM_001374433.1, NM_001374434.1, NM_017653.6); c.1540G>A, p.Ala514Thr (NM_001374436.1); c.1483G>A, p.Ala495Thr (NM_001374437.1); and 9 more; short protein forms A480T, A556T, A569T, A610T, A611T, A365T, A366T, A514T.
Identifiers: ClinVar variation 2962486 (VCV002962486.3), dbSNP rs760860800, ClinGen allele CA8958012.
Genomic context (GRCh38, chr18:49,118,824, plus strand): 5'-TATCCTGAAATGAAGGATGAGTTCGAAATTGTTCAAAGAGATCGCGTTTGTAAAGCAGGG[C>T]GTATACCAAGTTTGGGTTGTGGTGAAGGGAATTTGTCAGGCAGGAGTTGATGATCTCTAA-3'
Protein context (NP_001340143.1, residues 601-621): SLHHNPNLVY[Ala611Thr]LLYKRDLFEQ